The following is an entry in ClinVar:

ClinVar aggregate classification (germline): Uncertain significance (1 of 4 stars; one submission).

Conditions:
OPA1-related disorder. Also called: OPA1-related disorders; OPA1-related condition.

Submission:

PreventionGenetics, part of Exact Sciences
Classification: Uncertain significance for OPA1-related condition. Last evaluated: 2025-12-18. Review status: criteria provided, single submitter. Criteria: ACMG Guidelines, 2015. Collection method: clinical testing. Allele origin: germline.
Comment: The OPA1 c.761delG variant is predicted to result in a frameshift and premature protein termination (p.Ser254Thrfs*29). This variant is deep intronic in transcript NM_015560: c.625-5438delG. To our knowledge, this variant has not been reported in the literature. This variant is absent in a large population database (gnomAD), indicating this variant is rare. While variants that cause a frameshift in OPA1 are an established mechanism of disease, this variant does not cause a frameshift in the commonly cited NM_015560 transcript. Therefore, although we suspect that this variant may be pathogenic, at this time, the clinical significance of this variant is uncertain due to the absence of conclusive functional and genetic evidence.

NM_130837.3(OPA1):c.761del (p.Ser254fs)

Genes: OPA1 (OPA1 mitochondrial dynamin like GTPase; plus strand), OPA1-AS1 (OPA1 antisense RNA 1; minus strand). Cytogenetic location: 3q29.
Variant type: Deletion.
Coding change: c.761del on transcript NM_130837.3 (MANE Select); coding-DNA position 761, one base deleted (G; older notation c.761delG).
Protein change: p.Ser254fs; shifts the reading frame from serine 254.
Molecular consequence: frameshift variant. On other transcripts: intron variant (5).
Genome position (GRCh38, 1-based): chr3:193,626,174, G deleted. VCF-style (leftmost placement, unchanged base first): chr3-193626173-AG-A. GRCh37 (hg19) VCF-style: chr3-193343962-AG-A.
Other names: c.227del, p.Ser76fs (NM_001354663.2); c.599del, p.Ser200fs (NM_130833.3); c.653del, p.Ser218fs (NM_130835.3); c.707del, p.Ser236fs (NM_130836.3); c.253-5438del (NM_001354664.2); c.679-5438del (NM_130834.3); c.625-5438del (NM_015560.3); c.571-5438del (NM_130832.3); and 1 more; short protein forms S254fs, S236fs, S218fs, S76fs, S200fs.
Identifiers: ClinVar variation 5000285 (VCV005000285.1).